The following is an entry in ClinVar:

NM_000090.4(COL3A1):c.4290A>C (p.Glu1430Asp)

Gene: COL3A1 (collagen type III alpha 1 chain; plus strand). Cytogenetic location: 2q32.2.
Variant type: single nucleotide variant.
Coding change: c.4290A>C on transcript NM_000090.4 (MANE Select); coding-DNA position 4290, A replaced by C.
Protein change: p.Glu1430Asp; replaces glutamic acid 1430 with aspartic acid.
Molecular consequence: missense variant.
Genome position (GRCh38, 1-based): chr2:189,011,663, A>C. VCF-style: chr2-189011663-A-C. GRCh37 (hg19) VCF-style: chr2-189876389-A-C.
Other names: short protein forms E1430D.
Identifiers: ClinVar variation 2902854 (VCV002902854.4), dbSNP rs1559064178, ClinGen allele CA349850277.

ClinVar aggregate classification (germline): Uncertain significance. Review status: criteria provided, multiple submitters, no conflicts (2 of 4 stars). 2 submissions from 2 submitters: Uncertain significance (2). Last evaluated 2025-07-14.

Conditions:
Familial thoracic aortic aneurysm and aortic dissection (TAAD). Also called: Thoracic aortic aneurysms and dissections. Identifiers: Orphanet 91387, MedGen C4707243, MONDO:0019625.
Ehlers-Danlos syndrome, type 4 (EDSVASC). Also called: Ehlers-Danlos syndrome vascular type; Ehlers Danlos syndrome, ecchymotic type; Ehlers Danlos syndrome, arterial type; Ehlers Danlos syndrome, Sack-Barabas type; Ehlers-Danlos Syndrome Type IV. Identifiers: Orphanet 286, MedGen C0268338, MONDO:0017314, OMIM 130050.

Allele frequency attached by ClinVar (database versions not stated): gnomAD exomes below 0.00001.
gnomAD v4.1: 6 of 1,614,036 alleles (0.00037%); highest among the groups gnomAD compares: Non-Finnish European, 0.00051%; no homozygotes.

Submissions (2):

Color Diagnostics, LLC DBA Color Health
Classification: Uncertain significance for Familial thoracic aortic aneurysm and aortic dissection. Last evaluated: 2025-07-14. Review status: criteria provided, single submitter. Criteria: ACMG Guidelines, 2015. Collection method: clinical testing. Allele origin: germline.
Comment: This missense variant replaces glutamic acid with aspartic acid at codon 1430 of the COL3A1 protein. Computational prediction suggests that this variant may not impact protein structure and function. To our knowledge, functional studies have not been reported for this variant. This variant has not been reported in individuals affected with COL3A1-related disorders in the literature. This variant has been identified in 1/251362 chromosomes in the general population by the Genome Aggregation Database (gnomAD). The available evidence is insufficient to determine the role of this variant in disease conclusively. Therefore, this variant is classified as a Variant of Uncertain Significance.

Labcorp Genetics (formerly Invitae), Labcorp
Classification: Uncertain significance for Ehlers-Danlos syndrome, type 4. Last evaluated: 2023-10-15. Review status: criteria provided, single submitter. Criteria: Invitae Variant Classification Sherloc (09022015). Collection method: clinical testing. Allele origin: germline.
Comment: This sequence change replaces glutamic acid, which is acidic and polar, with aspartic acid, which is acidic and polar, at codon 1430 of the COL3A1 protein (p.Glu1430Asp). This variant is not present in population databases (gnomAD no frequency). This variant has not been reported in the literature in individuals affected with COL3A1-related conditions. Advanced modeling of protein sequence and biophysical properties (such as structural, functional, and spatial information, amino acid conservation, physicochemical variation, residue mobility, and thermodynamic stability) performed at Invitae indicates that this missense variant is not expected to disrupt COL3A1 protein function. In summary, the available evidence is currently insufficient to determine the role of this variant in disease. Therefore, it has been classified as a Variant of Uncertain Significance.